The following is an entry in ClinVar:

NM_001008212.2(OPTN):c.513C>T (p.Ser171=)

Gene: OPTN (optineurin; plus strand). Cytogenetic location: 10p13.
Variant type: single nucleotide variant.
Coding change: c.513C>T on transcript NM_001008212.2 (MANE Select); coding-DNA position 513, C replaced by T.
Protein change: p.Ser171=; no amino-acid change (serine 171 retained).
Molecular consequence: synonymous variant.
Genome position (GRCh38, 1-based): chr10:13,112,596, C>T. VCF-style: chr10-13112596-C-T. GRCh37 (hg19) VCF-style: chr10-13154596-C-T.
Other names: c.513C>T, p.Ser171= (NM_001008211.1, NM_001008213.1, NM_021980.4).
Identifiers: ClinVar variation 1543842 (VCV001543842.12), dbSNP rs369760173, ClinGen allele CA5410642.

ClinVar aggregate classification (germline): Likely benign. Review status: criteria provided, multiple submitters, no conflicts (2 of 4 stars). 3 submissions from 3 submitters: Likely benign (2). 1 of the submissions does not count toward it. Last evaluated 2026-06-01.

Conditions:
OPTN-related disorder. Also called: OPTN-related condition; OPTN-related disorders.
Primary open angle glaucoma (POAG). Also called: OPTN-related open angle glaucoma. Identifiers: MedGen C0339573, MONDO:0100553, OMIM 137760.
Amyotrophic lateral sclerosis type 12 (ALS12). Also called: AMYOTROPHIC LATERAL SCLEROSIS 12 WITH OR WITHOUT FRONTOTEMPORAL DEMENTIA. Identifiers: Orphanet 803, MedGen C3150692, MONDO:0013264, OMIM 613435.
Glaucoma 1, open angle, E. Identifiers: MedGen C1842026, MONDO:0007665.

Allele frequency attached by ClinVar (database versions not stated): gnomAD 0.00002; ExAC 0.00005; gnomAD exomes 0.00005 and 0.00016; TOPMed 0.00005; ESP Exome Variant Server 0.00008.
gnomAD v4.1: 234 of 1,614,048 alleles (0.014%); highest among the groups gnomAD compares: Non-Finnish European, 0.018%; no homozygotes.

Submissions (3):

CeGaT Center for Human Genetics Tuebingen
Classification: Likely benign. Last evaluated: 2026-06-01. Review status: criteria provided, single submitter. Criteria: CeGaT Center For Human Genetics Tuebingen Variant Classification Criteria Version 2. Collection method: clinical testing. Allele origin: germline. Affected: yes. Observed: 1 variant allele.
Comment: OPTN: BP4, BP7

Labcorp Genetics (formerly Invitae), Labcorp
Classification: Likely benign for Primary open angle glaucoma; Glaucoma 1, open angle, E; Amyotrophic lateral sclerosis type 12. Last evaluated: 2026-01-05. Review status: criteria provided, single submitter. Criteria: Invitae Variant Classification Sherloc (09022015). Collection method: clinical testing. Allele origin: germline.

PreventionGenetics, part of Exact Sciences
Classification: Likely benign for OPTN-related condition. Last evaluated: 2019-06-17. Review status: no assertion criteria provided. Collection method: clinical testing. Allele origin: germline. Not counted in ClinVar's aggregate classification.
Comment: This variant is classified as likely benign based on ACMG/AMP sequence variant interpretation guidelines (Richards et al. 2015 PMID: 25741868, with internal and published modifications).